The following is an entry in ClinVar:

NM_004179.3(TPH1):c.529G>A (p.Val177Ile)

Gene: TPH1 (tryptophan hydroxylase 1; minus strand). Cytogenetic location: 11p15.1.
Variant type: single nucleotide variant.
Coding change: c.529G>A on transcript NM_004179.3 (MANE Select); coding-DNA position 529, G replaced by A.
Protein change: p.Val177Ile; replaces valine 177 with isoleucine.
Molecular consequence: missense variant.
Genome position (GRCh38, 1-based): chr11:18,029,303, C>T on the plus strand (G>A on the coding strand, the complement: TPH1 is on the minus strand). VCF-style: chr11-18029303-C-T. GRCh37 (hg19) VCF-style: chr11-18050850-C-T.
Other names: short protein forms V177I.
Identifiers: ClinVar variation 2641660 (VCV002641660.24), dbSNP rs147638867, ClinGen allele CA5907548.
Genomic context (GRCh38, chr11:18,029,303, plus strand): 5'-AGTTTTTGAGATACTCTCTGCAAGCATGGGTTGGGTAGAGTTTGTTGAGCTCTTGGAATA[C>T]GGTTCCCCAGGTCTTAATCTCCTCTTCAGTGAATTCAACCTTTGGAATGGGGTCTCCACT-3'
Protein context (NP_004170.1, residues 167-187): TEEEIKTWGT[Val177Ile]FQELNKLYPT

ClinVar aggregate classification (germline): Likely benign (1 of 4 stars; one submission).

Allele frequency attached by ClinVar (database versions not stated): 1000 Genomes Project 0.00120; 1000 Genomes Project 30x 0.00141; ExAC 0.00207; gnomAD 0.00238; TOPMed 0.00243; ESP Exome Variant Server 0.00293; gnomAD exomes 0.00326.

Submission:

CeGaT Center for Human Genetics Tuebingen
Classification: Likely benign. Last evaluated: 2023-04-01. Review status: criteria provided, single submitter. Criteria: CeGaT Center For Human Genetics Tuebingen Variant Classification Criteria Version 2. Collection method: clinical testing. Allele origin: germline. Affected: yes. Observed: 1 variant allele.
Comment: TPH1: BS2